The following is an entry in ClinVar:

NM_001023.4(RPS20):c.3+5G>A

Gene: RPS20 (ribosomal protein S20; minus strand). Cytogenetic location: 8q12.1.
Variant type: single nucleotide variant.
Coding change: c.3+5G>A on transcript NM_001023.4 (MANE Select); 5 bases into the intron after coding-DNA position 3, G replaced by A.
Molecular consequence: intron variant.
Genome position (GRCh38, 1-based): chr8:56,074,376, C>T on the plus strand (G>A on the coding strand, the complement: RPS20 is on the minus strand). VCF-style: chr8-56074376-C-T. GRCh37 (hg19) VCF-style: chr8-56986935-C-T.
Other names: c.3+5G>A (NM_001023.3, NM_001146227.3).
Identifiers: ClinVar variation 1058482 (VCV001058482.8), dbSNP rs2129213519, ClinGen allele CA2499219344.

ClinVar aggregate classification (germline): Uncertain significance. Review status: criteria provided, multiple submitters, no conflicts (2 of 4 stars). 2 submissions from 2 submitters: Uncertain significance (2). Last evaluated 2026-01-08.

Submissions (2):

Ambry Genetics
Classification: Uncertain significance. Last evaluated: 2026-01-08. Review status: criteria provided, single submitter. Criteria: Ambry Variant Classification Scheme 2023. Collection method: clinical testing. Allele origin: germline.
Comment: The c.3+5G>A intronic variant results from a G to A substitution 5 nucleotides after coding exon 1 in the RPS20 gene. This nucleotide position is well conserved in available vertebrate species. In silico splice site analysis predicts that this alteration may weaken the native splice donor site; however, direct evidence is insufficient at this time (Ambry internal data). Based on the available evidence, the clinical significance of this variant remains unclear.

Labcorp Genetics (formerly Invitae), Labcorp
Classification: Uncertain significance. Last evaluated: 2020-04-20. Review status: criteria provided, single submitter. Criteria: Invitae Variant Classification Sherloc (09022015). Collection method: clinical testing. Allele origin: germline.
Comment: This sequence change falls in intron 1 of the RPS20 gene. It does not directly change the encoded amino acid sequence of the RPS20 protein, but it affects a nucleotide within the consensus splice site of the intron. The frequency data for this variant in the population databases is considered unreliable, as metrics indicate insufficient coverage at this position in the ExAC database. This variant has not been reported in the literature in individuals with RPS20-related conditions. Nucleotide substitutions within the consensus splice site are a relatively common cause of aberrant splicing (PMID: 17576681, 9536098). Algorithms developed to predict the effect of sequence changes on RNA splicing suggest that this variant may disrupt the consensus splice site, but this prediction has not been confirmed by published transcriptional studies. In summary, the available evidence is currently insufficient to determine the role of this variant in disease. Therefore, it has been classified as a Variant of Uncertain Significance.

Literature cited by the submitters: PubMed 17576681 (cited by Labcorp Genetics (formerly Invitae), Labcorp); PubMed 9536098 (cited by Labcorp Genetics (formerly Invitae), Labcorp).